The following is an entry in ClinVar:

NM_001134831.2(AHI1):c.1725A>G (p.Glu575=)

Gene: AHI1 (Abelson helper integration site 1; minus strand). Cytogenetic location: 6q23.3.
Variant type: single nucleotide variant.
Coding change: c.1725A>G on transcript NM_001134831.2 (MANE Select); coding-DNA position 1725, A replaced by G.
Protein change: p.Glu575=; no amino-acid change (glutamic acid 575 retained).
Molecular consequence: synonymous variant.
Genome position (GRCh38, 1-based): chr6:135,447,062, T>C on the plus strand (A>G on the coding strand, the complement: AHI1 is on the minus strand). VCF-style: chr6-135447062-T-C. GRCh37 (hg19) VCF-style: chr6-135768200-T-C.
Other names: c.1725A>G (NM_017651.4); c.1725A>G, p.Glu575= (NM_001134830.2, NM_001134832.2, NM_001350503.2 and 2 more transcripts).
Identifiers: ClinVar variation 624268 (VCV000624268.48), dbSNP rs759747091, ClinGen allele CA4012539.

ClinVar aggregate classification (germline): Likely benign. Review status: criteria provided, multiple submitters, no conflicts (2 of 4 stars). 4 submissions from 4 submitters: Likely benign (4). Last evaluated 2026-03-11.

Conditions:
Joubert syndrome. Also called: JOUBERT-BOLTSHAUSER SYNDROME; Familial aplasia of the vermis. Identifiers: Orphanet 475, MedGen C5979921, MONDO:0018772.
AHI1-related disorder. Also called: AHI1-related condition.

Allele frequency attached by ClinVar (database versions not stated): gnomAD exomes below 0.00001 and 0.00001; TOPMed below 0.00001; gnomAD 0.00001; ExAC 0.00002.
gnomAD v4.1: 2 of 1,609,690 alleles (0.00012%); highest among the groups gnomAD compares: Non-Finnish European, 0.00017%; no homozygotes.

Submissions (4):

PreventionGenetics, part of Exact Sciences
Classification: Likely benign for AHI1-related condition. Last evaluated: 2026-03-11. Review status: criteria provided, single submitter. Criteria: ACMG Guidelines, 2015. Collection method: clinical testing. Allele origin: germline.
Comment: This variant is classified as likely benign based on ACMG/AMP sequence variant interpretation guidelines (Richards et al. 2015 PMID: 25741868, with internal and published modifications).

Labcorp Genetics (formerly Invitae), Labcorp
Classification: Likely benign for Joubert syndrome. Last evaluated: 2023-11-28. Review status: criteria provided, single submitter. Criteria: Invitae Variant Classification Sherloc (09022015). Collection method: clinical testing. Allele origin: germline.

Blueprint Genetics
Classification: Likely benign. Last evaluated: 2022-11-10. Review status: criteria provided, single submitter. Criteria: ACMG Guidelines, 2015. Collection method: clinical testing. Allele origin: germline.

CeGaT Center for Human Genetics Tuebingen
Classification: Likely benign. Last evaluated: 2018-05-01. Review status: criteria provided, single submitter. Criteria: CeGaT Center For Human Genetics Tuebingen Variant Classification Criteria Version 2. Collection method: clinical testing. Allele origin: germline. Affected: yes. Observed: 1 variant allele.